The following is an entry in ClinVar:

NM_000059.4(BRCA2):c.7676C>G (p.Ser2559Cys)

Gene: BRCA2 (BRCA2 DNA repair associated; plus strand). Cytogenetic location: 13q13.1.
Variant type: single nucleotide variant.
Coding change: c.7676C>G on transcript NM_000059.4 (MANE Select); coding-DNA position 7676, C replaced by G.
Protein change: p.Ser2559Cys; replaces serine 2559 with cysteine.
Molecular consequence: missense variant.
Genome position (GRCh38, 1-based): chr13:32,357,800, C>G. VCF-style: chr13-32357800-C-G. GRCh37 (hg19) VCF-style: chr13-32931937-C-G.
Other names: short protein forms S2559C.
Identifiers: ClinVar variation 409479 (VCV000409479.23), dbSNP rs1060502421, ClinGen allele CA16614210.
Genomic context (GRCh38, chr13:32,357,800, plus strand): 5'-AGCTGTATACGTATGGCGTTTCTAAACATTGCATAAAAATTAACAGCAAAAATGCAGAGT[C>G]TTTTCAGTTTCACACTGAAGATTATTTTGGTAAGGAAAGTTTATGGACTGGAAAAGGAAT-3'
Protein context (NP_000050.3, residues 2549-2569): CIKINSKNAE[Ser2559Cys]FQFHTEDYFG

ClinVar aggregate classification (germline): Conflicting classifications of pathogenicity. Review status: criteria provided, conflicting classifications (1 of 4 stars). 7 submissions from 7 submitters: Uncertain significance (6); Likely benign (1). Last evaluated 2025-05-05.

Conditions:
Hereditary cancer-predisposing syndrome. Also called: Hereditary neoplastic syndrome; Neoplastic Syndromes, Hereditary; Tumor predisposition; Hereditary Cancer Syndrome. Identifiers: Orphanet 140162, MedGen C0027672, MeSH D009386, MONDO:0015356.
Hereditary breast ovarian cancer syndrome. Also called: Hereditary breast and ovarian cancer syndrome; Hereditary breast and/or ovarian cancer syndrome; BRCA1- and BRCA2-Associated Hereditary Breast and Ovarian Cancer; Hereditary breast and ovarian cancer syndrome (HBOC); Hereditary breast and ovarian cancer; Breast and ovarian cancer. Identifiers: Orphanet 145, MedGen C0677776, MeSH D061325, MONDO:0003582. Disease mechanism: loss of function.
Familial pancreatic carcinoma. Identifiers: Orphanet 1333, MedGen C2931038, MONDO:0015278, OMIM 260350.
Breast-ovarian cancer, familial, susceptibility to, 2 (BROVCA2). Also called: BRCA2 Hereditary Breast and Ovarian Cancer. Identifiers: Orphanet 145, MedGen C2675520, MONDO:0012933, OMIM 612555. Disease mechanism: loss of function.
Familial cancer of breast. Also called: Hereditary breast cancer; hereditary breast carcinoma; BREAST CANCER, FAMILIAL. Identifiers: Orphanet 227535, MedGen C0346153, MONDO:0016419, OMIM 114480. Disease mechanism: loss of function.

Allele frequency attached by ClinVar (database versions not stated): gnomAD exomes below 0.00001; gnomAD 0.00001.
gnomAD v4.1: 3 of 1,613,556 alleles (0.00019%); highest among the groups gnomAD compares: African/African-American, 0.004%; no homozygotes.

Submissions (7):

Ambry Genetics
Classification: Likely benign for Hereditary cancer-predisposing syndrome. Last evaluated: 2025-05-05. Review status: criteria provided, single submitter. Criteria: Ambry Variant Classification Scheme 2023. Collection method: clinical testing. Allele origin: germline.

Labcorp Genetics (formerly Invitae), Labcorp
Classification: Uncertain significance for Hereditary breast ovarian cancer syndrome. Last evaluated: 2024-12-16. Review status: criteria provided, single submitter. Criteria: Invitae Variant Classification Sherloc (09022015). Collection method: clinical testing. Allele origin: germline.
Comment: This sequence change replaces serine, which is neutral and polar, with cysteine, which is neutral and slightly polar, at codon 2559 of the BRCA2 protein (p.Ser2559Cys). This variant is present in population databases (no rsID available, gnomAD 0.01%). This missense change has been observed in individual(s) with breast cancer (PMID: 32231682). ClinVar contains an entry for this variant (Variation ID: 409479). Invitae Evidence Modeling of protein sequence and biophysical properties (such as structural, functional, and spatial information, amino acid conservation, physicochemical variation, residue mobility, and thermodynamic stability) indicates that this missense variant is not expected to disrupt BRCA2 protein function with a negative predictive value of 95%. In summary, the available evidence is currently insufficient to determine the role of this variant in disease. Therefore, it has been classified as a Variant of Uncertain Significance.

Baylor Genetics
Classification: Uncertain significance for Familial cancer of breast. Last evaluated: 2023-10-20. Review status: criteria provided, single submitter. Criteria: ACMG Guidelines, 2015. Collection method: clinical testing. Allele origin: unknown.

Department of Pathology and Laboratory Medicine, Sinai Health System
Classification: Uncertain significance for Hereditary breast ovarian cancer syndrome; Familial pancreatic carcinoma. Last evaluated: 2023-06-13. Review status: criteria provided, single submitter. Criteria: ACMG Guidelines, 2015. Collection method: clinical testing. Allele origin: germline. Affected: yes.

All of Us Research Program, National Institutes of Health
Classification: Uncertain significance for Breast-ovarian cancer, familial, susceptibility to, 2. Last evaluated: 2023-04-27. Review status: criteria provided, single submitter. Criteria: ACMG Guidelines, 2015. Collection method: clinical testing. Allele origin: germline. Inheritance: Autosomal dominant inheritance. Observed: 1 variant allele, 1 heterozygote.
Comment: This missense variant replaces serine with cysteine at codon 2559 of the BRCA2 protein. Computational prediction is inconclusive regarding the impact of this variant on protein structure and function (internally defined REVEL score threshold 0.5 < inconclusive < 0.7, PMID: 27666373). To our knowledge, functional studies have not been reported for this variant. This variant has been detected in an individual affected with breast cancer (PMID: 32231682). This variant has not been identified in the general population by the Genome Aggregation Database (gnomAD). The available evidence is insufficient to determine the role of this variant in disease conclusively. Therefore, this variant is classified as a Variant of Uncertain Significance.

This study involves interpretation of variants in research participants for the purpose of population health screening. Participant phenotype was not available at the time of variant classification. Additional details can be found in publication PMID: 35346344, PMCID: PMC8962531

Color Diagnostics, LLC DBA Color Health
Classification: Uncertain significance for Hereditary cancer-predisposing syndrome. Last evaluated: 2022-12-05. Review status: criteria provided, single submitter. Criteria: ACMG Guidelines, 2015. Collection method: clinical testing. Allele origin: germline.
Comment: This missense variant replaces serine with cysteine at codon 2559 of the BRCA2 protein. Computational prediction is inconclusive regarding the impact of this variant on protein structure and function (internally defined REVEL score threshold 0.5 < inconclusive < 0.7, PMID: 27666373). To our knowledge, functional studies have not been reported for this variant. This variant has been detected in an individual affected with breast cancer (PMID: 32231682). This variant has not been identified in the general population by the Genome Aggregation Database (gnomAD). The available evidence is insufficient to determine the role of this variant in disease conclusively. Therefore, this variant is classified as a Variant of Uncertain Significance.

GeneDx
Classification: Uncertain significance. Last evaluated: 2021-07-21. Review status: criteria provided, single submitter. Criteria: GeneDx Variant Classification Process June 2021. Collection method: clinical testing. Allele origin: germline. Affected: yes.
Comment: In silico analysis supports that this missense variant does not alter protein structure/function; Has not been previously published as pathogenic or benign to our knowledge; Also known as 7904C>G; This variant is associated with the following publications: (PMID: 12228710, 27535533)

Literature cited by the submitters: PubMed 32231682 (cited by 3 submitters).